The following is an entry in ClinVar:

NM_006005.3(WFS1):c.1167T>G (p.Asp389Glu)

Gene: WFS1 (wolframin ER transmembrane glycoprotein; plus strand). Cytogenetic location: 4p16.1.
Variant type: single nucleotide variant.
Coding change: c.1167T>G on transcript NM_006005.3 (MANE Select); coding-DNA position 1167, T replaced by G.
Protein change: p.Asp389Glu; replaces aspartic acid 389 with glutamic acid.
Molecular consequence: missense variant.
Genome position (GRCh38, 1-based): chr4:6,300,962, T>G. VCF-style: chr4-6300962-T-G. GRCh37 (hg19) VCF-style: chr4-6302689-T-G.
Other names: p.D389E:GAT>GAG; c.1167T>G, p.Asp389Glu (NM_001145853.1); short protein forms D389E.
Identifiers: ClinVar variation 215385 (VCV000215385.58), dbSNP rs201282601, ClinGen allele CA323617.

ClinVar aggregate classification (germline): Uncertain significance. Review status: criteria provided, multiple submitters, no conflicts (2 of 4 stars). 8 submissions from 8 submitters: Uncertain significance (8). Last evaluated 2026-08-18.

Conditions:
Autosomal dominant nonsyndromic hearing loss 6 (LFSNHL). Also called: DEAFNESS, AUTOSOMAL DOMINANT 6; DEAFNESS, AUTOSOMAL DOMINANT 14; DEAFNESS, AUTOSOMAL DOMINANT 38; Autosomal dominant nonsyndromic deafness 6. Identifiers: Orphanet 90635, MedGen C1833021, MONDO:0010963, OMIM 600965.
Type 2 diabetes mellitus. Also called: Type II diabetes mellitus. Identifiers: MedGen C0011860, MeSH D003924, MONDO:0005148, OMIM 125853, HP:0005978.
Cataract 41 (CTRCT41). Also called: CATARACT 41, CONGENITAL NUCLEAR TYPE. Identifiers: Orphanet 91492, Orphanet 98991, Orphanet 98992, Orphanet 98995, MedGen C3805412, MONDO:0007287, OMIM 116400.
Wolfram-like syndrome. Also called: HEARING LOSS, PROGRESSIVE, WITH OPTIC ATROPHY AND/OR IMPAIRED GLUCOSE REGULATION. Identifiers: Orphanet 411590, MedGen C3280358, MONDO:0013673, OMIM 614296.
Wolfram syndrome 1 (WFS1). Identifiers: Orphanet 3463, MedGen C4551693, MONDO:0009101, OMIM 222300.
WFS1-related disorder. Identifiers: MedGen CN379391, MONDO:0700293.

Allele frequency attached by ClinVar (database versions not stated): ExAC 0.00010; TOPMed 0.00012; 1000 Genomes Project 30x 0.00016; 1000 Genomes Project 0.00020.
gnomAD v4.1: 130 of 1,613,984 alleles (0.0081%); highest among the groups gnomAD compares: Admixed American, 0.038%; no homozygotes.

Submissions (8):

GeneDx
Classification: Uncertain significance. Last evaluated: 2026-08-18. Review status: criteria provided, single submitter. Criteria: GeneDx Variant Classification Process June 2021. Collection method: clinical testing. Allele origin: germline.
Comment: Reported in association with optic neuropathy in published literature (PMID: 33841295); patient clinical information not provided; In silico analysis suggests that this missense variant does not alter protein structure/function; This variant is associated with the following publications: (PMID: 33841295, 26435059)

PreventionGenetics, part of Exact Sciences
Classification: Uncertain significance for WFS1-related condition. Last evaluated: 2026-07-08. Review status: criteria provided, single submitter. Criteria: ACMG Guidelines, 2015. Collection method: clinical testing. Allele origin: germline.
Comment: The WFS1 c.1167T>G variant is predicted to result in the amino acid substitution p.Asp389Glu. This variant has been reported, along with another variant in the same gene, in an individual from a cohort of patients with optic neuropathy (Table S2, Charif et al. 2021. PubMed ID: 33841295). This variant is reported in 0.049% of alleles in individuals of Latino descent in gnomAD and is consistently interpreted as uncertain in ClinVar (Variation ID: 215385). At this time, the clinical significance of this variant is uncertain due to the absence of conclusive functional and genetic evidence.

Labcorp Genetics (formerly Invitae), Labcorp
Classification: Uncertain significance. Last evaluated: 2025-06-14. Review status: criteria provided, single submitter. Criteria: Invitae Variant Classification Sherloc (09022015). Collection method: clinical testing. Allele origin: germline.
Comment: This sequence change replaces aspartic acid, which is acidic and polar, with glutamic acid, which is acidic and polar, at codon 389 of the WFS1 protein (p.Asp389Glu). This variant is present in population databases (rs201282601, gnomAD 0.04%). This variant has not been reported in the literature in individuals affected with WFS1-related conditions. ClinVar contains an entry for this variant (Variation ID: 215385). Invitae Evidence Modeling of protein sequence and biophysical properties (such as structural, functional, and spatial information, amino acid conservation, physicochemical variation, residue mobility, and thermodynamic stability) indicates that this missense variant is not expected to disrupt WFS1 protein function with a negative predictive value of 95%. In summary, the available evidence is currently insufficient to determine the role of this variant in disease. Therefore, it has been classified as a Variant of Uncertain Significance.

Revvity Omics, Revvity
Classification: Uncertain significance. Last evaluated: 2025-04-29. Review status: criteria provided, single submitter. Criteria: ACMG Guidelines, 2015. Collection method: clinical testing. Allele origin: germline.

Blueprint Genetics
Classification: Uncertain significance. Last evaluated: 2024-09-16. Review status: criteria provided, single submitter. Criteria: ACMG Guidelines, 2015. Collection method: clinical testing. Allele origin: germline.

Fulgent Genetics
Classification: Uncertain significance for Cataract 41; Type 2 diabetes mellitus; Wolfram syndrome 1; Autosomal dominant nonsyndromic hearing loss 6; Wolfram-like syndrome. Last evaluated: 2024-01-05. Review status: criteria provided, single submitter. Criteria: ACMG Guidelines, 2015. Collection method: clinical testing. Allele origin: germline.

CeGaT Center for Human Genetics Tuebingen
Classification: Uncertain significance. Last evaluated: 2021-01-01. Review status: criteria provided, single submitter. Criteria: CeGaT Center For Human Genetics Tuebingen Variant Classification Criteria Version 2. Collection method: clinical testing. Allele origin: germline. Affected: yes. Observed: 1 variant allele.

Baylor Genetics
Classification: Uncertain significance for Autosomal dominant nonsyndromic hearing loss 6. Last evaluated: 2019-06-19. Review status: criteria provided, single submitter. Criteria: ACMG Guidelines, 2015. Collection method: clinical testing. Allele origin: unknown. Affected: yes.
Comment: This variant was determined to be of uncertain significance according to ACMG Guidelines, 2015 [PMID:25741868].